The following is an entry in ClinVar:

NC_000006.11:g.(?_109765394)_(110064995_?)dup

Genes: AK9 (adenylate kinase 9; minus strand), FIG4 (FIG4 phosphoinositide 5-phosphatase; plus strand), MICAL1 (microtubule associated monooxygenase, calponin and LIM domain containing 1; minus strand), ZBTB24 (zinc finger and BTB domain containing 24; minus strand). Cytogenetic location: 6q21.
Variant type: Duplication.
Identifiers: ClinVar variation 2425988 (VCV002425988.4).

ClinVar aggregate classification (germline): Uncertain significance (1 of 4 stars; one submission).

Conditions:
Charcot-Marie-Tooth disease type 4. Also called: Charcot-Marie-Tooth disease, type IV; Charcot-Marie-Tooth, Type 4. Identifiers: Orphanet 64749, MedGen C4082197, MONDO:0018995.

Submission:

Labcorp Genetics (formerly Invitae), Labcorp
Classification: Uncertain significance for Charcot-Marie-Tooth disease type 4. Last evaluated: 2022-02-19. Review status: criteria provided, single submitter. Criteria: Invitae Variant Classification Sherloc (09022015). Collection method: clinical testing. Allele origin: germline.
Comment: In summary, the available evidence is currently insufficient to determine the role of this variant in disease. Therefore, it has been classified as a Variant of Uncertain Significance. Experimental studies and prediction algorithms are not available or were not evaluated, and the functional significance of this variant is currently unknown. This variant has not been reported in the literature in individuals affected with FIG4-related conditions. This variant results in a copy number gain of the genomic region encompassing exon(s) 1-10 of the FIG4 gene. This region includes the initiator codon of the gene. This copy number gain extends beyond the assayed region for this gene and therefore may encompass additional genes. As the precise location of this event is unknown, it may be in tandem or it may be located elsewhere in the genome.